The following is an entry in ClinVar:

ClinVar aggregate classification (germline): Pathogenic/Likely pathogenic. Review status: criteria provided, multiple submitters, no conflicts (2 of 4 stars). 6 submissions from 5 submitters: Pathogenic (2); Likely pathogenic (4). Last evaluated 2023-11-04.

Conditions:
Retinitis pigmentosa (RP). Identifiers: Orphanet 791, MedGen C0035334, MeSH D012174, MONDO:0019200, OMIM 268000. Inheritance: Autosomal dominant, autosomal recessive and X linked inheritance.
USH2A-related disorder. Also called: USH2A-related condition; USH2A-related disorders. Identifiers: MedGen CN239332.
Usher syndrome type 2A. Also called: USHER SYNDROME, TYPE IIA; RETINAL DISEASE IN USHER SYNDROME TYPE IIA, MODIFIER OF. Identifiers: Orphanet 231178, Orphanet 886, MedGen C1848634, MONDO:0010169, OMIM 276901.
Retinitis pigmentosa 39 (RP39). Identifiers: Orphanet 791, MedGen C3151138, MONDO:0013436, OMIM 613809.

Submissions (6):

Genome-Nilou Lab
Classification: Likely pathogenic for Retinitis pigmentosa 39. Last evaluated: 2023-11-04. Review status: criteria provided, single submitter. Criteria: ACMG Guidelines, 2015. Collection method: clinical testing. Allele origin: germline. Affected: no.

Genome-Nilou Lab
Classification: Likely pathogenic for Usher syndrome type 2A. Last evaluated: 2023-11-04. Review status: criteria provided, single submitter. Criteria: ACMG Guidelines, 2015. Collection method: clinical testing. Allele origin: germline. Affected: no.

Institute of Human Genetics, University of Leipzig Medical Center
Classification: Pathogenic for Usher syndrome type 2A. Last evaluated: 2022-09-06. Review status: criteria provided, single submitter. Criteria: ACMG Guidelines, 2015. Collection method: clinical testing. Allele origin: unknown. Affected: yes.
Comment: This variant was identified as compound heterozygous with NM_206933.4:c.13342_13347del._x000D_ Criteria applied: PVS1, PM3_STR, PM2_SUP

Molecular Genetics Laboratory, Institute for Ophthalmic Research
Classification: Pathogenic for Retinitis pigmentosa. Last evaluated: 2020-01-09. Review status: criteria provided, single submitter. Criteria: ACMG Guidelines, 2015. Collection method: research. Allele origin: germline. Affected: yes.

CeGaT Center for Human Genetics Tuebingen
Classification: Likely pathogenic. Last evaluated: 2018-11-01. Review status: criteria provided, single submitter. Criteria: CeGaT Center For Human Genetics Tuebingen Variant Classification Criteria Version 2. Collection method: clinical testing. Allele origin: germline. Affected: yes. Observed: 1 variant allele.

Blueprint Genetics
Classification: Likely pathogenic for USH2A-related disorders. Last evaluated: 2017-08-15. Review status: criteria provided, single submitter. Criteria: ACMG Guidelines, 2015. Collection method: clinical testing. Allele origin: germline. Affected: yes. Observed: 1 variant allele.

NM_206933.4(USH2A):c.993_994del (p.Arg331fs)

Gene: USH2A (usherin; minus strand). Cytogenetic location: 1q41.
Variant type: Microsatellite.
Coding change: c.993_994del on transcript NM_206933.4 (MANE Select); coding-DNA positions 993 to 994, 2 bases deleted (AG; older notation c.993_994delAG).
Protein change: p.Arg331fs; shifts the reading frame from arginine 331.
Molecular consequence: frameshift variant.
Genome position (GRCh38, 1-based): chr1:216,325,454-216,325,455, CT deleted on the plus strand (AG on the coding strand, the reverse complement: USH2A is on the minus strand); deleting any 2 consecutive bases within chr1:216,325,454-216,325,457 gives the same sequence; the c. name uses the placement nearest the transcript's 3' end. VCF-style (leftmost placement, unchanged base first): chr1-216325453-ACT-A. GRCh37 (hg19) VCF-style: chr1-216498795-ACT-A.
Other names: c.993_994del, p.Arg331fs (NM_007123.6); c.993_994delAG (NM_206933.2); short protein forms R331fs.
Identifiers: ClinVar variation 806359 (VCV000806359.46), dbSNP rs1571703801, ClinGen allele CA915942021.